The following is an entry in ClinVar:

ClinVar aggregate classification (germline): Pathogenic (1 of 4 stars; one submission).

Submission:

Labcorp Genetics (formerly Invitae), Labcorp
Classification: Pathogenic. Last evaluated: 2023-01-13. Review status: criteria provided, single submitter. Criteria: Invitae Variant Classification Sherloc (09022015). Collection method: clinical testing. Allele origin: germline.
Comment: This variant has not been reported in the literature in individuals affected with PCNT-related conditions. This sequence change creates a premature translational stop signal (p.Trp1515Serfs*13) in the PCNT gene. It is expected to result in an absent or disrupted protein product. Loss-of-function variants in PCNT are known to be pathogenic (PMID: 18174396, 22821869). This variant is not present in population databases (gnomAD no frequency). For these reasons, this variant has been classified as Pathogenic.

Literature cited by the submitters: PubMed 18174396; PubMed 22821869.

NM_006031.6(PCNT):c.4544_4551del (p.Trp1515fs)

Gene: PCNT (pericentrin; plus strand). Cytogenetic location: 21q22.3.
Variant type: Deletion.
Coding change: c.4544_4551del on transcript NM_006031.6 (MANE Select); coding-DNA positions 4544 to 4551, 8 bases deleted (GGGGCCCT; older notation c.4544_4551delGGGGCCCT).
Protein change: p.Trp1515fs; shifts the reading frame from tryptophan 1515.
Molecular consequence: frameshift variant.
Genome position (GRCh38, 1-based): chr21:46,398,111-46,398,118, GGGGCCCT deleted; deleting any 8 consecutive bases within chr21:46,398,106-46,398,118 gives the same sequence; the c. name uses the placement nearest the transcript's 3' end. VCF-style (leftmost placement, unchanged base first): chr21-46398105-AGCCCTGGG-A. GRCh37 (hg19) VCF-style: chr21-47818019-AGCCCTGGG-A.
Other names: c.4190_4197del, p.Trp1397fs (NM_001315529.2); short protein forms W1397fs, W1515fs.
Identifiers: ClinVar variation 2814526 (VCV002814526.3), dbSNP rs2518617833, ClinGen allele CA2739267768.